The following is an entry in ClinVar:

ClinVar aggregate classification (germline): Uncertain significance. Review status: criteria provided, multiple submitters, no conflicts (2 of 4 stars). 2 submissions from 2 submitters: Uncertain significance (2). Last evaluated 2024-05-20.

Conditions:
Inborn genetic diseases. Identifiers: MedGen C0950123, MeSH D030342.
Peroxisome biogenesis disorder 11A (Zellweger). Also called: Peroxisome biogenesis disorder 11A. Identifiers: Orphanet 912, MedGen C3554000, MONDO:0013949, OMIM 614883.

Allele frequency attached by ClinVar (database versions not stated): TOPMed below 0.00001; gnomAD 0.00001; ExAC 0.00003; gnomAD exomes 0.00006.
gnomAD v4.1: 85 of 1,613,968 alleles (0.0053%); highest among the groups gnomAD compares: Non-Finnish European, 0.0069%; no homozygotes.

Submissions (2):

Ambry Genetics
Classification: Uncertain significance for Inborn genetic diseases. Last evaluated: 2024-05-20. Review status: criteria provided, single submitter. Criteria: Ambry Variant Classification Scheme 2023. Collection method: clinical testing. Allele origin: germline.

Labcorp Genetics (formerly Invitae), Labcorp
Classification: Uncertain significance for Peroxisome biogenesis disorder 11A (Zellweger). Last evaluated: 2022-08-06. Review status: criteria provided, single submitter. Criteria: Invitae Variant Classification Sherloc (09022015). Collection method: clinical testing. Allele origin: germline.
Comment: This sequence change replaces lysine, which is basic and polar, with glutamic acid, which is acidic and polar, at codon 362 of the PEX13 protein (p.Lys362Glu). This variant is present in population databases (rs751897080, gnomAD 0.009%). This variant has not been reported in the literature in individuals affected with PEX13-related conditions. Algorithms developed to predict the effect of missense changes on protein structure and function (SIFT, PolyPhen-2, Align-GVGD) all suggest that this variant is likely to be tolerated. In summary, the available evidence is currently insufficient to determine the role of this variant in disease. Therefore, it has been classified as a Variant of Uncertain Significance.

NM_002618.4(PEX13):c.1084A>G (p.Lys362Glu)

Gene: PEX13 (peroxisomal biogenesis factor 13; plus strand). Cytogenetic location: 2p15.
Variant type: single nucleotide variant.
Coding change: c.1084A>G on transcript NM_002618.4 (MANE Select); coding-DNA position 1084, A replaced by G.
Protein change: p.Lys362Glu; replaces lysine 362 with glutamic acid.
Molecular consequence: missense variant.
Genome position (GRCh38, 1-based): chr2:61,048,642, A>G. VCF-style: chr2-61048642-A-G. GRCh37 (hg19) VCF-style: chr2-61275777-A-G.
Other names: c.1084A>G (NM_002618.3); short protein forms K362E.
Identifiers: ClinVar variation 1934100 (VCV001934100.3), dbSNP rs751897080, ClinGen allele CA1673429.